The following is an entry in ClinVar:

ClinVar aggregate classification (germline): Uncertain significance (1 of 4 stars; one submission).

Allele frequency attached by ClinVar (database versions not stated): gnomAD exomes below 0.00001; TOPMed below 0.00001; gnomAD 0.00001.
gnomAD v4.1: 4 of 1,614,056 alleles (0.00025%); highest among the groups gnomAD compares: Non-Finnish European, 0.00034%; no homozygotes.

Submission:

Labcorp Genetics (formerly Invitae), Labcorp
Classification: Uncertain significance. Last evaluated: 2022-09-28. Review status: criteria provided, single submitter. Criteria: Invitae Variant Classification Sherloc (09022015). Collection method: clinical testing. Allele origin: germline.
Comment: This sequence change replaces threonine, which is neutral and polar, with isoleucine, which is neutral and non-polar, at codon 371 of the UGT1A1 protein (p.Thr371Ile). This variant is not present in population databases (gnomAD no frequency). This missense change has been observed in individual(s) with Crigler-Najjar syndrome type II (PMID: 30544479). Advanced modeling of protein sequence and biophysical properties (such as structural, functional, and spatial information, amino acid conservation, physicochemical variation, residue mobility, and thermodynamic stability) performed at Invitae indicates that this missense variant is expected to disrupt UGT1A1 protein function. In summary, the available evidence is currently insufficient to determine the role of this variant in disease. Therefore, it has been classified as a Variant of Uncertain Significance.

Literature cited by the submitters: PubMed 30544479.

NM_000463.3(UGT1A1):c.1112C>T (p.Thr371Ile)

Genes: UGT1A1 (UDP glucuronosyltransferase family 1 member A1; plus strand), UGT1A7 (UDP glucuronosyltransferase family 1 member A7; plus strand), UGT1A8 (UDP glucuronosyltransferase family 1 member A8; plus strand), UGT1A4 (UDP glucuronosyltransferase family 1 member A4; plus strand), UGT1A5 (UDP glucuronosyltransferase family 1 member A5; plus strand) and 5 more. Cytogenetic location: 2q37.1.
Variant type: single nucleotide variant.
Coding change: c.1112C>T on transcript NM_000463.3 (MANE Select); coding-DNA position 1112, C replaced by T.
Protein change: p.Thr371Ile; replaces threonine 371 with isoleucine.
Molecular consequence: missense variant.
Genome position (GRCh38, 1-based): chr2:233,768,247, C>T. VCF-style: chr2-233768247-C-T. GRCh37 (hg19) VCF-style: chr2-234676893-C-T.
Other names: c.1103C>T, p.Thr368Ile (NM_019075.4, NM_019076.5, NM_019077.3 and 1 more transcripts); c.1109C>T, p.Thr370Ile (NM_001072.4); c.308C>T, p.Thr103Ile (NM_205862.3); c.1115C>T, p.Thr372Ile (NM_019078.2, NM_007120.3, NM_019093.4); short protein forms T103I, T372I, T370I, T368I, T371I.
Identifiers: ClinVar variation 2159391 (VCV002159391.4), dbSNP rs1285354199, ClinGen allele CA351073840.